The following is an entry in ClinVar:

NM_002519.3(NPAT):c.176T>G (p.Leu59Trp)

Gene: NPAT (nuclear protein, coactivator of histone transcription; minus strand). Cytogenetic location: 11q22.3.
Variant type: single nucleotide variant.
Coding change: c.176T>G on transcript NM_002519.3 (MANE Select); coding-DNA position 176, T replaced by G.
Protein change: p.Leu59Trp; replaces leucine 59 with tryptophan.
Molecular consequence: missense variant.
Genome position (GRCh38, 1-based): chr11:108,193,998, A>C on the plus strand (T>G on the coding strand, the complement: NPAT is on the minus strand). VCF-style: chr11-108193998-A-C. GRCh37 (hg19) VCF-style: chr11-108064725-A-C.
Other names: c.176T>G, p.Leu59Trp (NM_001321307.1); short protein forms L59W.
Identifiers: ClinVar variation 3300651 (VCV003300651.1).

ClinVar aggregate classification (germline): Uncertain significance (1 of 4 stars; one submission).

Submission:

Ambry Genetics
Classification: Uncertain significance. Last evaluated: 2024-03-28. Review status: criteria provided, single submitter. Criteria: Ambry Variant Classification Scheme 2023. Collection method: clinical testing. Allele origin: germline.
Comment: The p.L59W variant (also known as c.176T>G), located in coding exon 3 of the NPAT gene, results from a T to G substitution at nucleotide position 176. The leucine at codon 59 is replaced by tryptophan, an amino acid with similar properties. This amino acid position is conserved. In addition, this alteration is predicted to be deleterious by in silico analysis. Based on the available evidence, the clinical significance of this alteration remains unclear.